The following is an entry in ClinVar:

ClinVar aggregate classification (germline): Uncertain significance (1 of 4 stars; one submission).

Submission:

Labcorp Genetics (formerly Invitae), Labcorp
Classification: Uncertain significance. Last evaluated: 2023-05-22. Review status: criteria provided, single submitter. Criteria: Invitae Variant Classification Sherloc (09022015). Collection method: clinical testing. Allele origin: germline.
Comment: In summary, the available evidence is currently insufficient to determine the role of this variant in disease. Therefore, it has been classified as a Variant of Uncertain Significance. An algorithm developed to predict the effect of missense changes on protein structure and function (PolyPhen-2) suggests that this variant is likely to be tolerated. This variant has not been reported in the literature in individuals affected with MYLK3-related conditions. This variant is not present in population databases (gnomAD no frequency). This sequence change replaces serine, which is neutral and polar, with arginine, which is basic and polar, at codon 450 of the MYLK3 protein (p.Ser450Arg).

NM_182493.3(MYLK3):c.1350C>G (p.Ser450Arg)

Gene: MYLK3 (myosin light chain kinase 3; minus strand). Cytogenetic location: 16q11.2.
Variant type: single nucleotide variant.
Coding change: c.1350C>G on transcript NM_182493.3 (MANE Select); coding-DNA position 1350, C replaced by G.
Protein change: p.Ser450Arg; replaces serine 450 with arginine.
Molecular consequence: missense variant.
Genome position (GRCh38, 1-based): chr16:46,732,320, G>C on the plus strand (C>G on the coding strand, the complement: MYLK3 is on the minus strand). VCF-style: chr16-46732320-G-C. GRCh37 (hg19) VCF-style: chr16-46766232-G-C.
Other names: c.327C>G, p.Ser109Arg (NM_001308301.1); short protein forms S109R, S450R.
Identifiers: ClinVar variation 2866892 (VCV002866892.3), dbSNP rs2548905874, ClinGen allele CA395792101.
Genomic context (GRCh38, chr16:46,732,320, plus strand): 5'-AGCTCTCACCGGAGCCCTGGCTGCACAGTCCTGCTCAGGCTCAGGGTTTCCCGCCCCTGG[G>C]CTTTTGCCCTGCTGCAGGCCCAGGGCCCCAACCTCGTGGTCATTGTCGTCACTCCTGGCC-3'
Protein context (NP_872299.2, residues 440-460): VGALGLQQGK[Ser450Arg]PGAGNPEPEQ